The following is an entry in ClinVar:

ClinVar aggregate classification (germline): Uncertain significance (1 of 4 stars; one submission).

Conditions:
Adenylosuccinate lyase deficiency (ADSLD). Also called: ADSL DEFICIENCY. Identifiers: Orphanet 46, MedGen C0268126, MONDO:0007068, OMIM 103050.

Allele frequency attached by ClinVar (database versions not stated): gnomAD 0.00001; TOPMed 0.00001.

Submission:

Labcorp Genetics (formerly Invitae), Labcorp
Classification: Uncertain significance for Adenylosuccinate lyase deficiency. Last evaluated: 2022-09-07. Review status: criteria provided, single submitter. Criteria: Invitae Variant Classification Sherloc (09022015). Collection method: clinical testing. Allele origin: germline.
Comment: This variant disrupts a region of the ADSL protein in which other variant(s) (p.Glu464del) have been observed in individuals with ADSL-related conditions (PMID: 28487569). This suggests that this is a clinically significant region of the protein, and that variants that disrupt it are likely to be disease-causing. Algorithms developed to predict the effect of sequence changes on RNA splicing suggest that this variant may disrupt the consensus splice site. This variant has not been reported in the literature in individuals affected with ADSL-related conditions. This variant is not present in population databases (gnomAD no frequency). This sequence change creates a premature translational stop signal (p.Gln458Alafs*16) in the ADSL gene. While this is not anticipated to result in nonsense mediated decay, it is expected to disrupt the last 27 amino acid(s) of the ADSL protein. In summary, the available evidence is currently insufficient to determine the role of this variant in disease. Therefore, it has been classified as a Variant of Uncertain Significance.

Literature cited by the submitters: PubMed 28487569.

NM_000026.4(ADSL):c.1371dup (p.Gln458fs)

Gene: ADSL (adenylosuccinate lyase; plus strand). Cytogenetic location: 22q13.1.
Variant type: Duplication.
Coding change: c.1371dup on transcript NM_000026.4 (MANE Select); coding-DNA position 1371, one base duplicated (G; older notation c.1371dupG).
Protein change: p.Gln458fs; shifts the reading frame from glutamine 458.
Molecular consequence: frameshift variant. On other transcripts: non-coding transcript variant (1).
Genome position (GRCh38, 1-based): chr22:40,366,438, G duplicated. VCF-style (leftmost placement, unchanged base first): chr22-40366437-T-TG. GRCh37 (hg19) VCF-style: chr22-40762441-T-TG.
Other names: c.1194dup, p.Gln399fs (NM_001123378.3); c.1179dup, p.Gln394fs (NM_001317923.2); c.1371dup, p.Gln458fs (NM_001363840.3); c.1371dup, p.Gln458Alafs (NM_001410812.1); c.1326dup, p.Gln443Alafs (NM_001410814.1); c.1194dup, p.Gln399Alafs (NM_001410816.1); short protein forms Q394fs, Q399fs, Q458fs.
Identifiers: ClinVar variation 1908148 (VCV001908148.4), dbSNP rs1306829273, ClinGen allele CA753185058.
Genomic context (GRCh38, chr22:40,366,437, plus strand): 5'-GTATTATCTGCTAATATCTTAACATTTTCTTTTGTCTTGTATTTGCTTTCCTCTGGCAGG[T>TG]GCAGAGATTCTTAGAAGAGGAGGTGTATCCCCTGTTAAAACCATATGAAAGCGTGATGAA-3'